The following is an entry in ClinVar:

NM_001106.4(ACVR2B):c.592C>T (p.Arg198Trp)

Gene: ACVR2B (activin A receptor type 2B; plus strand). Cytogenetic location: 3p22.2.
Variant type: single nucleotide variant.
Coding change: c.592C>T on transcript NM_001106.4 (MANE Select); coding-DNA position 592, C replaced by T.
Protein change: p.Arg198Trp; replaces arginine 198 with tryptophan.
Molecular consequence: missense variant.
Genome position (GRCh38, 1-based): chr3:38,478,444, C>T. VCF-style: chr3-38478444-C-T. GRCh37 (hg19) VCF-style: chr3-38519935-C-T.
Other names: short protein forms R198W.
Identifiers: ClinVar variation 4989604 (VCV004989604.1).
Genomic context (GRCh38, chr3:38,478,444, plus strand): 5'-CCTCCACCACCATCCCCTCTGGTGGGCCTGAAGCCACTGCAGCTGCTGGAGATCAAGGCT[C>T]GGGGGCGCTTTGGCTGTGTCTGGAAGGCCCAGCTCATGAATGACTTTGTAGCTGTCAAGA-3'
Protein context (NP_001097.2, residues 188-208): KPLQLLEIKA[Arg198Trp]GRFGCVWKAQ

ClinVar aggregate classification (germline): Uncertain significance (1 of 4 stars; one submission).

Conditions:
ACVR2B-related disorder. Also called: ACVR2B-related condition.

Submission:

PreventionGenetics, part of Exact Sciences
Classification: Uncertain significance for ACVR2B-related condition. Last evaluated: 2025-06-03. Review status: criteria provided, single submitter. Criteria: ACMG Guidelines, 2015. Collection method: clinical testing. Allele origin: germline.
Comment: The ACVR2B c.592C>T variant is predicted to result in the amino acid substitution p.Arg198Trp. To our knowledge, this variant has not been reported in the literature. This variant is reported in 0.029% of alleles in individuals of European (Finnish) descent in gnomAD. At this time, the clinical significance of this variant is uncertain due to the absence of conclusive functional and genetic evidence.